The following is an entry in ClinVar:

NM_203447.4(DOCK8):c.4886+42C>T

Gene: DOCK8 (dedicator of cytokinesis 8; plus strand). Cytogenetic location: 9p24.3.
Variant type: single nucleotide variant.
Coding change: c.4886+42C>T on transcript NM_203447.4 (MANE Select); 42 bases into the intron after coding-DNA position 4886, C replaced by T.
Molecular consequence: intron variant.
Genome position (GRCh38, 1-based): chr9:434,017, C>T. VCF-style: chr9-434017-C-T. GRCh37 (hg19) VCF-style: chr9-434017-C-T.
Other names: c.4682+42C>T (NM_001193536.2); c.4586+42C>T (NM_001190458.2).
Identifiers: ClinVar variation 1696907 (VCV001696907.2), dbSNP rs181705526, ClinGen allele CA4959238.
Genomic context (GRCh38, chr9:434,017, plus strand): 5'-TTATGGATCTCATGTACAGGTAAGCTTTCCTGACACACTCAAGGGACACCATTTGGGGGT[C>T]GAGGATTTGTCACTGTGGAGTTCTTACTAATGTAATGATCACAGCTAACATGGATATAGT-3'

ClinVar aggregate classification (germline): Likely benign (1 of 4 stars; one submission).

Allele frequency attached by ClinVar (database versions not stated): 1000 Genomes Project 0.00419; 1000 Genomes Project 30x 0.00484; ESP Exome Variant Server 0.00023.
gnomAD v4.1: 2,739 of 1,442,136 alleles (0.19%); highest among the groups gnomAD compares: Admixed American, 3.7%; 39 homozygotes.

Submission:

GeneDx
Classification: Likely benign. Last evaluated: 2022-01-11. Review status: criteria provided, single submitter. Criteria: GeneDx Variant Classification Process June 2021. Collection method: clinical testing. Allele origin: germline. Affected: yes.
Comment: See Variant Classification Assertion Criteria.